The following is an entry in ClinVar:

NM_002528.7(NTHL1):c.116-6T>C

Gene: NTHL1 (nth like DNA glycosylase 1; minus strand). Cytogenetic location: 16p13.3.
Variant type: single nucleotide variant.
Coding change: c.116-6T>C on transcript NM_002528.7 (MANE Select); 6 bases into the intron before coding-DNA position 116, T replaced by C.
Molecular consequence: intron variant.
Genome position (GRCh38, 1-based): chr16:2,046,372, A>G on the plus strand (T>C on the coding strand, the complement: NTHL1 is on the minus strand). VCF-style: chr16-2046372-A-G. GRCh37 (hg19) VCF-style: chr16-2096373-A-G.
Other names: c.-63-6T>C (NM_001318194.2); c.116-6T>C (NM_001318193.2).
Identifiers: ClinVar variation 4533052 (VCV004533052.1).
Genomic context (GRCh38, chr16:2,046,372, plus strand): 5'-CGCAGTCTCTGTGCTTTCCGCGGACGCTTCACGGGGCTGTGGCTTTTCCTCGCTTCTGCA[A>G]AAAGCACCACGCAGTCCCTCTGGTGGGGCCACAGGTGAAGGTAGGGTAGGGGTGCCATCC-3'

ClinVar aggregate classification (germline): Uncertain significance (1 of 4 stars; one submission).

gnomAD v4.1: 2 of 1,603,798 alleles (0.00012%); highest among the groups gnomAD compares: African/African-American, 0.0013%; no homozygotes.

Submission:

Quest Diagnostics Nichols Institute San Juan Capistrano
Classification: Uncertain significance. Last evaluated: 2025-02-12. Review status: criteria provided, single submitter. Criteria: Quest Diagnostics criteria. Collection method: clinical testing. Allele origin: unknown.
Comment: The NTHL1 c.140-6T>C variant has not been reported in individuals with NTHL1-related conditions in the published literature. It also has not been reported in large, multi-ethnic general populations (Genome Aggregation Database). Analysis of this variant using software algorithms for the prediction of the effect of nucleotide changes on splicing yielded predictions that this variant does not affect NTHL1 mRNA splicing. Based on the available information, we are unable to determine the clinical significance of this variant.